The following is an entry in ClinVar:

ClinVar aggregate classification (germline): Uncertain significance (1 of 4 stars; one submission).

Submission:

Labcorp Genetics (formerly Invitae), Labcorp
Classification: Uncertain significance. Last evaluated: 2025-08-06. Review status: criteria provided, single submitter. Criteria: Invitae Variant Classification Sherloc (09022015). Collection method: clinical testing. Allele origin: germline.
Comment: This sequence change falls in intron 9 of the GCKR gene. It does not directly change the encoded amino acid sequence of the GCKR protein. It affects a nucleotide within the consensus splice site. This variant is not present in population databases (gnomAD no frequency). This variant has not been reported in the literature in individuals affected with GCKR-related conditions. Variants that disrupt the consensus splice site are a relatively common cause of aberrant splicing (PMID: 17576681, 9536098). Algorithms developed to predict the effect of sequence changes on RNA splicing suggest that this variant is not likely to affect RNA splicing. In summary, the available evidence is currently insufficient to determine the role of this variant in disease. Therefore, it has been classified as a Variant of Uncertain Significance.

Literature cited by the submitters: PubMed 17576681; PubMed 9536098.

NM_001486.4(GCKR):c.750+4G>C

Gene: GCKR (glucokinase regulator; plus strand). Cytogenetic location: 2p23.3.
Variant type: single nucleotide variant.
Coding change: c.750+4G>C on transcript NM_001486.4 (MANE Select); 4 bases into the intron after coding-DNA position 750, G replaced by C.
Molecular consequence: intron variant.
Genome position (GRCh38, 1-based): chr2:27,503,623, G>C. VCF-style: chr2-27503623-G-C. GRCh37 (hg19) VCF-style: chr2-27726490-G-C.
Identifiers: ClinVar variation 4724965 (VCV004724965.1).